The following is an entry in ClinVar:

NM_004064.5(CDKN1B):c.449G>C (p.Gly150Ala)

Gene: CDKN1B (cyclin dependent kinase inhibitor 1B; plus strand). Cytogenetic location: 12p13.1.
Variant type: single nucleotide variant.
Coding change: c.449G>C on transcript NM_004064.5 (MANE Select); coding-DNA position 449, G replaced by C.
Protein change: p.Gly150Ala; replaces glycine 150 with alanine.
Molecular consequence: missense variant.
Genome position (GRCh38, 1-based): chr12:12,718,288, G>C. VCF-style: chr12-12718288-G-C. GRCh37 (hg19) VCF-style: chr12-12871222-G-C.
Other names: short protein forms G150A.
Identifiers: ClinVar variation 824944 (VCV000824944.15), dbSNP rs772818396, ClinGen allele CA6457500.

ClinVar aggregate classification (germline): Conflicting classifications of pathogenicity. Review status: criteria provided, conflicting classifications (1 of 4 stars). 4 submissions from 4 submitters: Uncertain significance (2); Likely benign (2). Last evaluated 2025-12-01.

Conditions:
Multiple endocrine neoplasia type 4. Also called: MULTIPLE ENDOCRINE NEOPLASIA, TYPE IV. Identifiers: Orphanet 276152, MedGen C1970712, MONDO:0012552, OMIM 610755.
Hereditary cancer-predisposing syndrome. Also called: Neoplastic Syndromes, Hereditary; Hereditary Cancer Syndrome; Hereditary neoplastic syndrome; Tumor predisposition. Identifiers: Orphanet 140162, MedGen C0027672, MeSH D009386, MONDO:0015356.

Allele frequency attached by ClinVar (database versions not stated): gnomAD below 0.00001 and 0.00005; TOPMed 0.00001; gnomAD exomes 0.00004 and 0.00012; ExAC 0.00016.
gnomAD v4.1: 70 of 1,547,438 alleles (0.0045%); highest among the groups gnomAD compares: South Asian, 0.073%; no homozygotes.

Submissions (4):

Labcorp Genetics (formerly Invitae), Labcorp
Classification: Likely benign for Multiple endocrine neoplasia type 4. Last evaluated: 2025-12-01. Review status: criteria provided, single submitter. Criteria: Invitae Variant Classification Sherloc (09022015). Collection method: clinical testing. Allele origin: germline.

GeneDx
Classification: Uncertain significance. Last evaluated: 2024-08-19. Review status: criteria provided, single submitter. Criteria: GeneDx Variant Classification Process June 2021. Collection method: clinical testing. Allele origin: germline. Affected: yes.
Comment: In silico analysis indicates that this missense variant does not alter protein structure/function; Has not been previously published as pathogenic or benign to our knowledge

Ambry Genetics
Classification: Likely benign for Hereditary cancer-predisposing syndrome. Last evaluated: 2022-11-21. Review status: criteria provided, single submitter. Criteria: Ambry Variant Classification Scheme 2023. Collection method: clinical testing. Allele origin: germline.

Sema4
Classification: Uncertain significance for Hereditary cancer-predisposing syndrome. Last evaluated: 2021-12-01. Review status: criteria provided, single submitter. Criteria: Sema4 Curation Guidelines. Collection method: curation. Allele origin: germline.
Comment: The CDKN1B c.449G>C (p.G150A) variant has not been reported in the literature to our knowledge. This variant was observed in 28/30570 chromosomes in the South Asian population according to the Genome Aggregation Database (PMID: 32461654). The subpopulation frequency of this variant is higher than expected for a pathogenic variant based on disease/syndrome prevalence and penetrance. This variant has been reported in ClinVar (Variation ID 824944). In silico tools suggest the impact of the variant on protein function is benign, though these predictions have not been confirmed by functional studies. There is no indication that this variant causes disease, but the evidence is insufficient currently to prove that conclusively. In summary, the clinical significance of this variant is currently uncertain.